The following is an entry in ClinVar:

NC_000007.13:g.(?_124464016)_(124464148_?)del

Gene: POT1 (protection of telomeres 1; minus strand). Cytogenetic location: 7q31.33.
Variant type: Deletion.
Identifiers: ClinVar variation 3245818 (VCV003245818.1).

ClinVar aggregate classification (germline): Uncertain significance (1 of 4 stars; one submission).

Conditions:
Tumor predisposition syndrome 3 (TPDS3). Also called: Glioma susceptibility 9; LONG TELOMERE SYNDROME, POT1-RELATED; POT1 Tumor Predisposition; Melanoma, cutaneous malignant, susceptibility to, 10. Identifiers: Orphanet 618, MedGen C4014476, MONDO:0014368, OMIM 615848.

Submission:

Labcorp Genetics (formerly Invitae), Labcorp
Classification: Uncertain significance for Tumor predisposition syndrome 3. Last evaluated: 2023-11-19. Review status: criteria provided, single submitter. Criteria: Invitae Variant Classification Sherloc (09022015). Collection method: clinical testing. Allele origin: unknown.
Comment: This variant is a gross deletion of the genomic region encompassing exon(s) 19 of the POT1 gene, which includes the termination codon. This deletion extends beyond the assayed region for this gene and therefore may encompass additional genes. While this deletion is not anticipated to lead to nonsense mediated decay, it is expected to alter mRNA translation or result in a truncated protein product. This variant has not been reported in the literature in individuals affected with POT1-related conditions. In summary, the available evidence is currently insufficient to determine the role of this variant in disease. Therefore, it has been classified as a Variant of Uncertain Significance.